The following is an entry in ClinVar:

NM_000264.5(PTCH1):c.3210G>A (p.Met1070Ile)

Gene: PTCH1 (patched 1; minus strand). Cytogenetic location: 9q22.32.
Variant type: single nucleotide variant.
Coding change: c.3210G>A on transcript NM_000264.5 (MANE Select); coding-DNA position 3210, G replaced by A.
Protein change: p.Met1070Ile; replaces methionine 1070 with isoleucine.
Molecular consequence: missense variant. On other transcripts: non-coding transcript variant (1).
Genome position (GRCh38, 1-based): chr9:95,456,372, C>T on the plus strand (G>A on the coding strand, the complement: PTCH1 is on the minus strand). VCF-style: chr9-95456372-C-T. GRCh37 (hg19) VCF-style: chr9-98218654-C-T.
Other names: c.3012G>A, p.Met1004Ile (NM_001083602.3); c.3207G>A, p.Met1069Ile (NM_001083603.3); c.2757G>A, p.Met919Ile (NM_001083604.3, NM_001083605.3, NM_001083606.3 and 1 more transcripts); c.3054G>A, p.Met1018Ile (NM_001354918.2); short protein forms M1070I, M1069I, M1004I, M1018I, M919I.
Identifiers: ClinVar variation 2745569 (VCV002745569.3), dbSNP rs2136649517, ClinGen allele CA374112148.

ClinVar aggregate classification (germline): Uncertain significance (1 of 4 stars; one submission).

Conditions:
Gorlin syndrome. Also called: Basal cell nevus syndrome; Nevoid Basal Cell Carcinoma Syndrome. Identifiers: Orphanet 377, MedGen C0004779, MONDO:0007187.

Submission:

Labcorp Genetics (formerly Invitae), Labcorp
Classification: Uncertain significance for Gorlin syndrome. Last evaluated: 2023-07-20. Review status: criteria provided, single submitter. Criteria: Invitae Variant Classification Sherloc (09022015). Collection method: clinical testing. Allele origin: germline.
Comment: This variant is not present in population databases (gnomAD no frequency). This sequence change replaces methionine, which is neutral and non-polar, with isoleucine, which is neutral and non-polar, at codon 1070 of the PTCH1 protein (p.Met1070Ile). This variant has not been reported in the literature in individuals affected with PTCH1-related conditions. Advanced modeling of protein sequence and biophysical properties (such as structural, functional, and spatial information, amino acid conservation, physicochemical variation, residue mobility, and thermodynamic stability) performed at Invitae indicates that this missense variant is not expected to disrupt PTCH1 protein function. In summary, the available evidence is currently insufficient to determine the role of this variant in disease. Therefore, it has been classified as a Variant of Uncertain Significance.